The following is an entry in ClinVar:

NM_001082971.2(DDC):c.292A>G (p.Ile98Val)

Genes: DDC (dopa decarboxylase; minus strand), DDC-AS1 (DDC antisense RNA 1; plus strand). Cytogenetic location: 7p12.1.
Variant type: single nucleotide variant.
Coding change: c.292A>G on transcript NM_001082971.2 (MANE Select); coding-DNA position 292, A replaced by G.
Protein change: p.Ile98Val; replaces isoleucine 98 with valine.
Molecular consequence: missense variant. On other transcripts: non-coding transcript variant (1), intron variant (2).
Genome position (GRCh38, 1-based): chr7:50,539,938, T>C on the plus strand (A>G on the coding strand, the complement: DDC is on the minus strand). VCF-style: chr7-50539938-T-C. GRCh37 (hg19) VCF-style: chr7-50607636-T-C.
Other names: c.292A>G, p.Ile98Val (NM_000790.4, NM_001242887.2, NM_001242889.2 and 1 more transcripts); c.201+3947A>G (NM_001242888.2); c.202-1959A>G (NM_001242886.2); short protein forms I98V.
Identifiers: ClinVar variation 2110541 (VCV002110541.1), dbSNP rs1336467849, ClinGen allele CA367529549.

ClinVar aggregate classification (germline): Uncertain significance (1 of 4 stars; one submission).

Conditions:
Deficiency of aromatic-L-amino-acid decarboxylase. Also called: AADC DEFICIENCY; DDC DEFICIENCY; DOPA DECARBOXYLASE DEFICIENCY; Aromatic L-Amino Acid Decarboxylase Deficiency; Aromatic amino acid decarboxylase deficiency. Identifiers: Orphanet 35708, MedGen C1291564, MONDO:0012084, OMIM 608643.

Allele frequency attached by ClinVar (database versions not stated): gnomAD exomes below 0.00001; TOPMed 0.00001.
gnomAD v4.1: 2 of 1,613,868 alleles (0.00012%); highest among the groups gnomAD compares: East Asian, 0.0022%; no homozygotes.

Submission:

Labcorp Genetics (formerly Invitae), Labcorp
Classification: Uncertain significance for Deficiency of aromatic-L-amino-acid decarboxylase. Last evaluated: 2022-03-13. Review status: criteria provided, single submitter. Criteria: Invitae Variant Classification Sherloc (09022015). Collection method: clinical testing. Allele origin: germline.
Comment: This sequence change replaces isoleucine, which is neutral and non-polar, with valine, which is neutral and non-polar, at codon 98 of the DDC protein (p.Ile98Val). This variant is present in population databases (no rsID available, gnomAD 0.01%). This variant has not been reported in the literature in individuals affected with DDC-related conditions. Algorithms developed to predict the effect of missense changes on protein structure and function are either unavailable or do not agree on the potential impact of this missense change (SIFT: "Deleterious"; PolyPhen-2: "Benign"; Align-GVGD: "Class C0"). In summary, the available evidence is currently insufficient to determine the role of this variant in disease. Therefore, it has been classified as a Variant of Uncertain Significance.